The following is an entry in ClinVar:

NM_000719.7(CACNA1C):c.6404T>A (p.Val2135Asp)

Gene: CACNA1C (calcium voltage-gated channel subunit alpha1 C; plus strand). Cytogenetic location: 12p13.33.
Variant type: single nucleotide variant.
Coding change: c.6404T>A on transcript NM_000719.7 (MANE Select); coding-DNA position 6404, T replaced by A.
Protein change: p.Val2135Asp; replaces valine 2135 with aspartic acid.
Molecular consequence: missense variant.
Genome position (GRCh38, 1-based): chr12:2,691,186, T>A. VCF-style: chr12-2691186-T-A. GRCh37 (hg19) VCF-style: chr12-2800352-T-A.
Other names: c.6428T>A, p.Val2143Asp (NM_001129838.2, NM_001129837.2); c.6422T>A, p.Val2141Asp (NM_001129839.2); c.6404T>A, p.Val2135Asp (NM_001129840.2, NM_001129841.2, NM_001129842.2 and 2 more transcripts); c.6395T>A, p.Val2132Asp (NM_001129844.2); c.6371T>A, p.Val2124Asp (NM_001129846.2); c.6509T>A, p.Val2170Asp (NM_001167624.3, NM_001129830.3); c.6584T>A, p.Val2195Asp (NM_001167625.2); c.6653T>A, p.Val2218Asp (NM_199460.4); and 6 more; short protein forms V2124D, V2132D, V2135D, V2141D, V2143D, V2152D, V2154D, V2155D.
Identifiers: ClinVar variation 2584627 (VCV002584627.1), dbSNP rs2535534488, ClinGen allele CA383387962.

ClinVar aggregate classification (germline): Uncertain significance (1 of 4 stars; one submission).

Conditions:
Neurodevelopmental disorder with hypotonia, language delay, and skeletal defects with or without seizures (NEDHLSS). Identifiers: MedGen C5774213, MONDO:0859286, OMIM 620029.
Long QT syndrome 8. Identifiers: MedGen CN260585, MONDO:0032756, OMIM 618447.
Timothy syndrome (TS). Also called: LONG QT SYNDROME WITH SYNDACTYLY. Identifiers: Orphanet 65283, MedGen C1832916, MeSH C536962, MONDO:0010979, OMIM 601005.

Submission:

New York Genome Center
Classification: Uncertain significance for Neurodevelopmental disorder with hypotonia, language delay, and skeletal defects with or without seizures; Long QT syndrome 8; Timothy syndrome. Last evaluated: 2022-11-28. Review status: criteria provided, single submitter. Criteria: NYGC Assertion Criteria 2020. Collection method: clinical testing. Allele origin: germline. Observed: 1 heterozygote.
Comment: The c.6404T>A p.(Val2135Asp) variant in the CACNA1C gene has not previously been reported in the literature or public variant repositories (ClinVar and LOVD), and is absent from population databases (gnomAD v2.1.1 and v3.1.2, TOPMed Freeze 8), suggesting it is not a common benign variant in the populations represented in those databases. The c.6404T>A variant in CACNA1C is located in exon 47 of this 47-exon gene, and predicted to replace an evolutionarily conserved valine amino acid with aspartic acid at position 2135 of the encoded protein. In silico predictions are not in favor of damaging effect forp.(Val2135Asp) [(CADD v1.6 = 24.5, REVEL = 0.182)]; however, there are no functional studies to support or refute these predictions. Based on available evidence this c.6404T>A p.(Val2135Asp) variant identified in CACNA1C is classified as a Variant of Uncertain Significance.